The following is an entry in ClinVar:

NM_006231.4(POLE):c.3089T>A (p.Phe1030Tyr)

Gene: POLE (DNA polymerase epsilon, catalytic subunit; minus strand). Cytogenetic location: 12q24.33.
Variant type: single nucleotide variant.
Coding change: c.3089T>A on transcript NM_006231.4 (MANE Select); coding-DNA position 3089, T replaced by A.
Protein change: p.Phe1030Tyr; replaces phenylalanine 1030 with tyrosine.
Molecular consequence: missense variant.
Genome position (GRCh38, 1-based): chr12:132,659,481, A>T on the plus strand (T>A on the coding strand, the complement: POLE is on the minus strand). VCF-style: chr12-132659481-A-T. GRCh37 (hg19) VCF-style: chr12-133236067-A-T.
Other names: short protein forms F1030Y.
Identifiers: ClinVar variation 580129 (VCV000580129.17), dbSNP rs1565956275, ClinGen allele CA387391780.

ClinVar aggregate classification (germline): Uncertain significance. Review status: criteria provided, multiple submitters, no conflicts (2 of 4 stars). 4 submissions from 4 submitters: Uncertain significance (4). Last evaluated 2026-01-13.

Conditions:
Hereditary cancer-predisposing syndrome. Also called: Neoplastic Syndromes, Hereditary; Hereditary neoplastic syndrome; Tumor predisposition; Hereditary Cancer Syndrome. Identifiers: Orphanet 140162, MedGen C0027672, MeSH D009386, MONDO:0015356.
Facial dysmorphism-immunodeficiency-livedo-short stature syndrome. Also called: FILS syndrome; Facial dysmorphism, immunodeficiency, livedo, and short stature. Identifiers: Orphanet 352712, MedGen C3554576, MONDO:0014058, OMIM 615139.
Intrauterine growth retardation, metaphyseal dysplasia, adrenal hypoplasia congenita, genital anomalies, and immunodeficiency. Also called: IMAGEI SYNDROME. Identifiers: MedGen C5193036, MONDO:0032684, OMIM 618336.

Allele frequency attached by ClinVar (database versions not stated): gnomAD 0.00001; TOPMed 0.00002.
gnomAD v4.1: 14 of 1,614,038 alleles (0.00087%); highest among the groups gnomAD compares: Admixed American, 0.0033%; no homozygotes.

Submissions (4):

Labcorp Genetics (formerly Invitae), Labcorp
Classification: Uncertain significance. Last evaluated: 2026-01-13. Review status: criteria provided, single submitter. Criteria: Invitae Variant Classification Sherloc (09022015). Collection method: clinical testing. Allele origin: germline.
Comment: This sequence change replaces phenylalanine, which is neutral and non-polar, with tyrosine, which is neutral and polar, at codon 1030 of the POLE protein (p.Phe1030Tyr). This variant is not present in population databases (gnomAD no frequency). This variant has not been reported in the literature in individuals affected with POLE-related conditions. ClinVar contains an entry for this variant (Variation ID: 580129). Invitae Evidence Modeling of protein sequence and biophysical properties (such as structural, functional, and spatial information, amino acid conservation, physicochemical variation, residue mobility, and thermodynamic stability) indicates that this missense variant is not expected to disrupt POLE protein function with a negative predictive value of 80%. In summary, the available evidence is currently insufficient to determine the role of this variant in disease. Therefore, it has been classified as a Variant of Uncertain Significance.

Ambry Genetics
Classification: Uncertain significance for Hereditary cancer-predisposing syndrome. Last evaluated: 2025-12-30. Review status: criteria provided, single submitter. Criteria: Ambry Variant Classification Scheme 2023. Collection method: clinical testing. Allele origin: germline.

GeneDx
Classification: Uncertain significance. Last evaluated: 2024-07-12. Review status: criteria provided, single submitter. Criteria: GeneDx Variant Classification Process June 2021. Collection method: clinical testing. Allele origin: germline. Affected: yes.
Comment: Not observed at significant frequency in large population cohorts (gnomAD); In silico analysis supports that this missense variant has a deleterious effect on protein structure/function; Has not been previously published as pathogenic or benign to our knowledge

New York Genome Center
Classification: Uncertain significance for Facial dysmorphism-immunodeficiency-livedo-short stature syndrome; Intrauterine growth retardation, metaphyseal dysplasia, adrenal hypoplasia congenita, genital anomalies, and immunodeficiency. Last evaluated: 2020-01-09. Review status: criteria provided, single submitter. Criteria: NYGC Assertion Criteria 2020. Collection method: clinical testing. Allele origin: germline. Observed: 1 heterozygote. Study: CSER-NYCKidSeq.